The following is an entry in ClinVar:

NM_000027.4(AGA):c.333del (p.Ile112fs)

Gene: AGA (aspartylglucosaminidase; minus strand). Cytogenetic location: 4q34.3.
Variant type: Deletion.
Coding change: c.333del on transcript NM_000027.4 (MANE Select); coding-DNA position 333, one base deleted (T; older notation c.333delT).
Protein change: p.Ile112fs; shifts the reading frame from isoleucine 112.
Molecular consequence: frameshift variant. On other transcripts: non-coding transcript variant (1).
Genome position (GRCh38, 1-based): chr4:177,439,637, A deleted on the plus strand (T on the coding strand, the reverse complement: AGA is on the minus strand). VCF-style (leftmost placement, unchanged base first): chr4-177439636-TA-T. GRCh37 (hg19) VCF-style: chr4-178360790-TA-T.
Other names: c.333del, p.Ile112fs (NM_001171988.2); short protein forms I112fs.
Identifiers: ClinVar variation 371375 (VCV000371375.9), dbSNP rs1057517223, ClinGen allele CA16040934.

ClinVar aggregate classification (germline): Pathogenic/Likely pathogenic. Review status: criteria provided, multiple submitters, no conflicts (2 of 4 stars). 4 submissions from 4 submitters: Pathogenic (1); Likely pathogenic (2). 1 of the submissions does not count toward it. Last evaluated 2024-02-26.

Conditions:
Aspartylglucosaminuria (AGU). Also called: GLYCOASPARAGINASE; GLYCOSYLASPARAGINASE DEFICIENCY; Aspartylglucos-aminuria; Aspartylglucos-amidase (AGA) deficiency; AGA DEFICIENCY. Identifiers: Orphanet 93, MedGen C0268225, MONDO:0008830, OMIM 208400, HP:0012068.

Allele frequency attached by ClinVar (database versions not stated): gnomAD exomes below 0.00001.

Submissions (4):

Natera, Inc.
Classification: Likely pathogenic for Aspartylglucosaminuria. Last evaluated: 2024-02-26. Review status: criteria provided, single submitter. Criteria: Natera Variant Classification Schema (03/2026). Collection method: clinical testing. Allele origin: germline.
Comment: The c.333delT variant in AGA is a frameshift variant predicted to shift the reading frame beginning at codon 112 and leads to a stop codon 16 codons downstream. This variant is expected to result in nonsense mediated decay, truncation, or a dysfunctional protein product. This variant is rare in the general population with a frequency below the threshold expected for the associated phenotype(s). Given the available evidence, this variant is classified as Likely Pathogenic.

Baylor Genetics
Classification: Likely pathogenic for Aspartylglucosaminuria. Last evaluated: 2024-02-21. Review status: criteria provided, single submitter. Criteria: ACMG Guidelines, 2015. Collection method: clinical testing. Allele origin: unknown.

Labcorp Genetics (formerly Invitae), Labcorp
Classification: Pathogenic for Aspartylglucosaminuria. Last evaluated: 2024-02-01. Review status: criteria provided, single submitter. Criteria: Invitae Variant Classification Sherloc (09022015). Collection method: clinical testing. Allele origin: germline.
Comment: This sequence change creates a premature translational stop signal (p.Ile112Leufs*16) in the AGA gene. It is expected to result in an absent or disrupted protein product. Loss-of-function variants in AGA are known to be pathogenic (PMID: 7627186, 11309371). This variant is present in population databases (no rsID available, gnomAD 0.0009%). This variant has not been reported in the literature in individuals affected with AGA-related conditions. ClinVar contains an entry for this variant (Variation ID: 371375). For these reasons, this variant has been classified as Pathogenic.

Counsyl
Classification: Likely pathogenic for Aspartylglucosaminuria. Last evaluated: 2016-09-07. Review status: no assertion criteria provided. Collection method: clinical testing. Allele origin: unknown. Not counted in ClinVar's aggregate classification.

Literature cited by the submitters: PubMed 7627186 (cited by Labcorp Genetics (formerly Invitae), Labcorp); PubMed 11309371 (cited by Labcorp Genetics (formerly Invitae), Labcorp).